The following is an entry in ClinVar:

NM_001440.4(EXTL3):c.1421A>G (p.Asp474Gly)

Gene: EXTL3 (exostosin like glycosyltransferase 3; plus strand). Cytogenetic location: 8p21.1.
Variant type: single nucleotide variant.
Coding change: c.1421A>G on transcript NM_001440.4 (MANE Select); coding-DNA position 1421, A replaced by G.
Protein change: p.Asp474Gly; replaces aspartic acid 474 with glycine.
Molecular consequence: missense variant.
Genome position (GRCh38, 1-based): chr8:28,717,480, A>G. VCF-style: chr8-28717480-A-G. GRCh37 (hg19) VCF-style: chr8-28574997-A-G.
Other names: short protein forms D474G.
Identifiers: ClinVar variation 1908075 (VCV001908075.2), dbSNP rs374772131, ClinGen allele CA4696210.

ClinVar aggregate classification (germline): Uncertain significance (1 of 4 stars; one submission).

Allele frequency attached by ClinVar (database versions not stated): gnomAD 0.00002; ExAC 0.00003; gnomAD exomes 0.00003; TOPMed 0.00003; ESP Exome Variant Server 0.00008.
gnomAD v4.1: 53 of 1,614,092 alleles (0.0033%); highest among the groups gnomAD compares: Non-Finnish European, 0.0042%; no homozygotes.

Submission:

Labcorp Genetics (formerly Invitae), Labcorp
Classification: Uncertain significance. Last evaluated: 2022-08-05. Review status: criteria provided, single submitter. Criteria: Invitae Variant Classification Sherloc (09022015). Collection method: clinical testing. Allele origin: germline.
Comment: This sequence change replaces aspartic acid, which is acidic and polar, with glycine, which is neutral and non-polar, at codon 474 of the EXTL3 protein (p.Asp474Gly). This variant is present in population databases (rs374772131, gnomAD 0.007%). This variant has not been reported in the literature in individuals affected with EXTL3-related conditions. Algorithms developed to predict the effect of missense changes on protein structure and function output the following: SIFT: "Deleterious"; PolyPhen-2: "Benign"; Align-GVGD: "Class C0". The glycine amino acid residue is found in multiple mammalian species, which suggests that this missense change does not adversely affect protein function. In summary, the available evidence is currently insufficient to determine the role of this variant in disease. Therefore, it has been classified as a Variant of Uncertain Significance.